The following is an entry in ClinVar:

ClinVar aggregate classification (germline): Uncertain significance. Review status: criteria provided, multiple submitters, no conflicts (2 of 4 stars). 2 submissions from 2 submitters: Uncertain significance (2). Last evaluated 2024-12-09.

Conditions:
Cardiovascular phenotype. Identifiers: MedGen CN230736.

Allele frequency attached by ClinVar (database versions not stated): gnomAD 0.00003; TOPMed 0.00003.
gnomAD v4.1: 11 of 1,613,304 alleles (0.00068%); highest among the groups gnomAD compares: Middle Eastern, 0.016%; no homozygotes.

Submissions (2):

Labcorp Genetics (formerly Invitae), Labcorp
Classification: Uncertain significance. Last evaluated: 2024-12-09. Review status: criteria provided, single submitter. Criteria: Invitae Variant Classification Sherloc (09022015). Collection method: clinical testing. Allele origin: germline.
Comment: This sequence change replaces alanine, which is neutral and non-polar, with threonine, which is neutral and polar, at codon 147 of the LOX protein (p.Ala147Thr). This variant is present in population databases (rs755071414, gnomAD 0.002%). This variant has not been reported in the literature in individuals affected with LOX-related conditions. ClinVar contains an entry for this variant (Variation ID: 2150300). Invitae Evidence Modeling of protein sequence and biophysical properties (such as structural, functional, and spatial information, amino acid conservation, physicochemical variation, residue mobility, and thermodynamic stability) indicates that this missense variant is not expected to disrupt LOX protein function with a negative predictive value of 95%. In summary, the available evidence is currently insufficient to determine the role of this variant in disease. Therefore, it has been classified as a Variant of Uncertain Significance.

Ambry Genetics
Classification: Uncertain significance for Cardiovascular phenotype. Last evaluated: 2024-05-19. Review status: criteria provided, single submitter. Criteria: Ambry Variant Classification Scheme 2023. Collection method: clinical testing. Allele origin: germline.
Comment: The p.A147T variant (also known as c.439G>A), located in coding exon 1 of the LOX gene, results from a G to A substitution at nucleotide position 439. The alanine at codon 147 is replaced by threonine, an amino acid with similar properties. This amino acid position is conserved. In addition, this alteration is predicted to be tolerated by in silico analysis. Based on the available evidence, the clinical significance of this variant remains unclear.

NM_002317.7(LOX):c.439G>A (p.Ala147Thr)

Genes: LOX (lysyl oxidase; minus strand), SRFBP1 (serum response factor binding protein 1; plus strand). Cytogenetic location: 5q23.1.
Variant type: single nucleotide variant.
Coding change: c.439G>A on transcript NM_002317.7 (MANE Select); coding-DNA position 439, G replaced by A.
Protein change: p.Ala147Thr; replaces alanine 147 with threonine.
Molecular consequence: missense variant.
Genome position (GRCh38, 1-based): chr5:122,077,547, C>T on the plus strand (G>A on the coding strand, the complement: LOX is on the minus strand). VCF-style: chr5-122077547-C-T. GRCh37 (hg19) VCF-style: chr5-121413242-C-T.
Other names: c.439G>A (NM_002317.5); short protein forms A147T.
Identifiers: ClinVar variation 2150300 (VCV002150300.5), dbSNP rs755071414, ClinGen allele CA3384038.